The following is an entry in ClinVar:

ClinVar aggregate classification (germline): Likely benign. Review status: criteria provided, multiple submitters, no conflicts (2 of 4 stars). 2 submissions from 2 submitters: Likely benign (2). Last evaluated 2025-06-02.

Conditions:
Tuberous sclerosis 2 (TSC2). Identifiers: Orphanet 805, MedGen C1860707, MONDO:0013199, OMIM 613254.

gnomAD v4.1: 1 of 1,568,726 alleles (0.000064%); highest among the groups gnomAD compares: African/African-American, 0.0013%; no homozygotes.

Submissions (2):

Myriad Genetics, Inc.
Classification: Likely benign for Tuberous sclerosis 2. Last evaluated: 2025-06-02. Review status: criteria provided, single submitter. Criteria: Myriad Autosomal Dominant, Autosomal Recessive and X-Linked Classification Criteria (2023). Collection method: clinical testing. Allele origin: unknown.
Comment: This variant is considered likely benign. This variant is intronic and is not expected to impact mRNA splicing.

Labcorp Genetics (formerly Invitae), Labcorp
Classification: Likely benign for Tuberous sclerosis 2. Last evaluated: 2024-04-23. Review status: criteria provided, single submitter. Criteria: Invitae Variant Classification Sherloc (09022015). Collection method: clinical testing. Allele origin: germline.

NM_000548.5(TSC2):c.3884-19C>T

Gene: TSC2 (TSC complex subunit 2; plus strand). Cytogenetic location: 16p13.3.
Variant type: single nucleotide variant.
Coding change: c.3884-19C>T on transcript NM_000548.5 (MANE Select); 19 bases into the intron before coding-DNA position 3884, C replaced by T.
Molecular consequence: intron variant.
Genome position (GRCh38, 1-based): chr16:2,083,676, C>T. VCF-style: chr16-2083676-C-T. GRCh37 (hg19) VCF-style: chr16-2133677-C-T.
Other names: c.2342-19C>T (NM_001406693.1, NM_001406692.1, NM_001406694.1); c.3776-19C>T (NM_001406667.1); c.3773-19C>T (NM_001406668.1); c.3284-19C>T (NM_001406680.1); c.3215-19C>T (NM_001406683.1, NM_001406682.1); c.3083-19C>T (NM_001406687.1, NM_001406688.1); c.2471-19C>T (NM_001406689.1); c.2411-19C>T (NM_001406690.1); and 26 more.
Identifiers: ClinVar variation 2785441 (VCV002785441.4), dbSNP rs2151509370, ClinGen allele CA2575876998.